The following is an entry in ClinVar:

NM_014975.3(MAST1):c.2285G>T (p.Arg762Leu)

Genes: MAST1 (microtubule associated serine/threonine kinase 1; plus strand), LOC112543452 (Sharpr-MPRA regulatory region 6054; plus strand). Cytogenetic location: 19p13.13.
Variant type: single nucleotide variant.
Coding change: c.2285G>T on transcript NM_014975.3 (MANE Select); coding-DNA position 2285, G replaced by T.
Protein change: p.Arg762Leu; replaces arginine 762 with leucine.
Molecular consequence: missense variant.
Genome position (GRCh38, 1-based): chr19:12,867,619, G>T. VCF-style: chr19-12867619-G-T. GRCh37 (hg19) VCF-style: chr19-12978433-G-T.
Other names: short protein forms R762L.
Identifiers: ClinVar variation 2496146 (VCV002496146.3), dbSNP rs757555584, ClinGen allele CA9233087.
Genomic context (GRCh38, chr19:12,867,619, plus strand): 5'-CCAAGGGCCCCGAGGAGAAGGTGGCCGGCAAGCGGGAGGGGCTGGGCGGCCTGACCCTGC[G>T]TGAGAAGACCTGGAGAGGGGGCTCTCCGGAGATGTGAGCAGGGGAATGGCGGAGTTTGGG-3'
Protein context (NP_055790.1, residues 752-772): KREGLGGLTL[Arg762Leu]EKTWRGGSPE

ClinVar aggregate classification (germline): Uncertain significance (1 of 4 stars; one submission).

Conditions:
Inborn genetic diseases. Identifiers: MedGen C0950123, MeSH D030342.

Allele frequency attached by ClinVar (database versions not stated): gnomAD 0.00001; gnomAD exomes 0.00001; TOPMed 0.00001; ExAC 0.00002.
gnomAD v4.1: 5 of 1,610,356 alleles (0.00031%); highest among the groups gnomAD compares: Non-Finnish European, 0.00042%; no homozygotes.

Submission:

Ambry Genetics
Classification: Uncertain significance for Inborn genetic diseases. Last evaluated: 2023-03-14. Review status: criteria provided, single submitter. Criteria: Ambry Variant Classification Scheme 2023. Collection method: clinical testing. Allele origin: germline.
Comment: The c.2285G>T (p.R762L) alteration is located in exon 19 (coding exon 19) of the MAST1 gene. This alteration results from a G to T substitution at nucleotide position 2285, causing the arginine (R) at amino acid position 762 to be replaced by a leucine (L). Based on data from gnomAD, the T allele has an overall frequency of 0.001% (3/268600) total alleles studied. The highest observed frequency was 0.003% (3/119736) of European (non-Finnish) alleles. This amino acid position is well conserved in available vertebrate species. This alteration is predicted to be tolerated by in silico analysis. Based on insufficient or conflicting evidence, the clinical significance of this alteration remains unclear.